The following is an entry in ClinVar:

ClinVar aggregate classification (germline): Uncertain significance (1 of 4 stars; one submission).

Submission:

GeneDx
Classification: Uncertain significance. Last evaluated: 2026-04-23. Review status: criteria provided, single submitter. Criteria: GeneDx Variant Classification Process June 2021. Collection method: clinical testing. Allele origin: germline.
Comment: Not observed at significant frequency in large population cohorts (gnomAD); In silico analysis supports that this missense variant has a deleterious effect on protein structure/function; Has not been previously published as pathogenic or benign to our knowledge

NM_021120.4(DLG3):c.1652C>T (p.Pro551Leu)

Gene: DLG3 (discs large MAGUK scaffold protein 3; plus strand). Cytogenetic location: Xq13.1.
Variant type: single nucleotide variant.
Coding change: c.1652C>T on transcript NM_021120.4 (MANE Select); coding-DNA position 1652, C replaced by T.
Protein change: p.Pro551Leu; replaces proline 551 with leucine.
Molecular consequence: missense variant.
Genome position (GRCh38, 1-based): chrX:70,492,238, C>T. VCF-style: chrX-70492238-C-T. GRCh37 (hg19) VCF-style: chrX-69712088-C-T.
Other names: c.641C>T, p.Pro214Leu (NM_020730.3); c.203C>T, p.Pro68Leu (NM_001166278.2); short protein forms P214L, P551L, P68L.
Identifiers: ClinVar variation 5037596 (VCV005037596.1).